The following is an entry in ClinVar:

ClinVar aggregate classification (germline): Uncertain significance. Review status: criteria provided, multiple submitters, no conflicts (2 of 4 stars). 3 submissions from 3 submitters: Uncertain significance (3). Last evaluated 2026-01-18.

Conditions:
Birt-Hogg-Dube syndrome. Also called: Birt Hogg Dubé syndrome. Identifiers: Orphanet 122, MedGen C0346010, MONDO:0800444.
Hereditary cancer-predisposing syndrome. Also called: Neoplastic Syndromes, Hereditary; Hereditary neoplastic syndrome; Tumor predisposition; Hereditary Cancer Syndrome. Identifiers: Orphanet 140162, MedGen C0027672, MeSH D009386, MONDO:0015356.
Colorectal cancer. Also called: Colorectal cancer, somatic; Malignant Colorectal Neoplasm. Identifiers: MedGen C0346629, MONDO:0005575, OMIM 114500.
Familial spontaneous pneumothorax (PSP). Identifiers: Orphanet 2903, MedGen C1868193, MONDO:0008259, OMIM 173600.
Nonpapillary renal cell carcinoma. Identifiers: Orphanet 422526, MedGen CN074294, MONDO:0007763, OMIM 144700.
Birt-Hogg-Dube syndrome 1 (BHD1). Also called: FIBROFOLLICULOMAS WITH TRICHODISCOMAS AND ACROCHORDONS. Identifiers: Orphanet 122, MedGen CN375946, MONDO:0800445, OMIM 135150.

gnomAD v4.1: 2 of 1,613,746 alleles (0.00012%); highest among the groups gnomAD compares: Admixed American, 0.0017%; no homozygotes.

Submissions (3):

Labcorp Genetics (formerly Invitae), Labcorp
Classification: Uncertain significance for Birt-Hogg-Dube syndrome. Last evaluated: 2026-01-18. Review status: criteria provided, single submitter. Criteria: Invitae Variant Classification Sherloc (09022015). Collection method: clinical testing. Allele origin: germline.
Comment: This sequence change replaces alanine, which is neutral and non-polar, with serine, which is neutral and polar, at codon 27 of the FLCN protein (p.Ala27Ser). This variant is present in population databases (no rsID available, gnomAD 0.007%). This variant has not been reported in the literature in individuals affected with FLCN-related conditions. ClinVar contains an entry for this variant (Variation ID: 841895). Invitae Evidence Modeling of protein sequence and biophysical properties (such as structural, functional, and spatial information, amino acid conservation, physicochemical variation, residue mobility, and thermodynamic stability) indicates that this missense variant is not expected to disrupt FLCN protein function with a negative predictive value of 80%. In summary, the available evidence is currently insufficient to determine the role of this variant in disease. Therefore, it has been classified as a Variant of Uncertain Significance.

Fulgent Genetics
Classification: Uncertain significance for Colorectal cancer; Birt-Hogg-Dube syndrome 1; Nonpapillary renal cell carcinoma; Familial spontaneous pneumothorax. Last evaluated: 2024-06-14. Review status: criteria provided, single submitter. Criteria: ACMG Guidelines, 2015. Collection method: clinical testing. Allele origin: germline.

Ambry Genetics
Classification: Uncertain significance for Hereditary cancer-predisposing syndrome. Last evaluated: 2022-08-22. Review status: criteria provided, single submitter. Criteria: Ambry Variant Classification Scheme 2023. Collection method: clinical testing. Allele origin: germline.
Comment: The p.A27S variant (also known as c.79G>T), located in coding exon 1 of the FLCN gene, results from a G to T substitution at nucleotide position 79. The alanine at codon 27 is replaced by serine, an amino acid with similar properties. This amino acid position is not well conserved in available vertebrate species, and serine is the reference amino acid in other vertebrate species. In addition, this alteration is predicted to be tolerated by in silico analysis. Since supporting evidence is limited at this time, the clinical significance of this alteration remains unclear.

NM_144997.7(FLCN):c.79G>T (p.Ala27Ser)

Gene: FLCN (folliculin; minus strand). Cytogenetic location: 17p11.2.
Variant type: single nucleotide variant.
Coding change: c.79G>T on transcript NM_144997.7 (MANE Select); coding-DNA position 79, G replaced by T.
Protein change: p.Ala27Ser; replaces alanine 27 with serine.
Molecular consequence: missense variant.
Genome position (GRCh38, 1-based): chr17:17,228,059, C>A on the plus strand (G>T on the coding strand, the complement: FLCN is on the minus strand). VCF-style: chr17-17228059-C-A. GRCh37 (hg19) VCF-style: chr17-17131373-C-A.
Other names: c.79G>T, p.Ala27Ser (NM_001353229.2, NM_001353230.2, NM_001353231.2 and 1 more transcripts); short protein forms A27S.
Identifiers: ClinVar variation 841895 (VCV000841895.11), dbSNP rs779449668, ClinGen allele CA398535371.